The following is an entry in ClinVar:

NM_007294.4(BRCA1):c.134+21T>G

Gene: BRCA1 (BRCA1 DNA repair associated; minus strand). Cytogenetic location: 17q21.31.
Variant type: single nucleotide variant.
Coding change: c.134+21T>G on transcript NM_007294.4 (MANE Select); 21 bases into the intron after coding-DNA position 134, T replaced by G.
Molecular consequence: intron variant.
Genome position (GRCh38, 1-based): chr17:43,115,705, A>C on the plus strand (T>G on the coding strand, the complement: BRCA1 is on the minus strand). VCF-style: chr17-43115705-A-C. GRCh37 (hg19) VCF-style: chr17-41267722-A-C.
Other names: c.-8+21T>G (NM_001408458.1, NM_001408470.1, NM_001407848.1 and 47 more transcripts); c.-219+9572T>G (NM_001407967.1); c.-170+9572T>G (NM_001407959.1); c.-7-9172T>G (NM_001407931.1, NM_001407747.1, NM_001408511.1 and 2 more transcripts); c.-170+21T>G (NM_001407962.1, NM_001408512.1, NM_001408510.1 and 1 more transcripts); c.-55+21T>G (NM_001407885.1, NM_001407886.1, NM_001408509.1 and 52 more transcripts); c.-124+21T>G (NM_001407746.1, NM_001408468.1, NM_001407842.1 and 13 more transcripts); c.-8+8312T>G (NM_001408461.1, NM_001407738.1, NM_001407932.1 and 23 more transcripts); and 10 more.
Identifiers: ClinVar variation 865173 (VCV000865173.3), dbSNP rs2055237571, ClinGen allele CA916080942.

Conditions:
Breast-ovarian cancer, familial, susceptibility to, 1 (BROVCA1). Also called: BRCA1 Hereditary Breast and Ovarian Cancer; OVARIAN CANCER, SUSCEPTIBILITY TO. Identifiers: Orphanet 145, MedGen C2676676, MONDO:0011450, OMIM 604370. Disease mechanism: loss of function.

Submission:

Brotman Baty Institute, University of Washington
No classification provided (evidence only). Condition: Breast-ovarian cancer, familial 1. Review status: no classification provided. Collection method: in vitro. Allele origin: not applicable. Functional consequence: functionally_normal.
ClinVar note: "not provided" was previously submitted as the classification for the variant. However, the classification appeared to be based only on an observation of functional data so it was converted to no classification on 2025-07-30.